The following is an entry in ClinVar:

NM_007294.4(BRCA1):c.3874T>C (p.Ser1292Pro)

Genes: BRCA1 (BRCA1 DNA repair associated; minus strand), LOC126862571 (BRD4-independent group 4 enhancer GRCh37_chr17:41243136-41244335; plus strand). Cytogenetic location: 17q21.31.
Variant type: single nucleotide variant.
Coding change: c.3874T>C on transcript NM_007294.4 (MANE Select); coding-DNA position 3874, T replaced by C.
Protein change: p.Ser1292Pro; replaces serine 1292 with proline.
Molecular consequence: missense variant. On other transcripts: intron variant (135).
Genome position (GRCh38, 1-based): chr17:43,091,657, A>G on the plus strand (T>C on the coding strand, the complement: BRCA1 is on the minus strand). VCF-style: chr17-43091657-A-G. GRCh37 (hg19) VCF-style: chr17-41243674-A-G.
Other names: c.3661T>C, p.Ser1221Pro (NM_001407571.1, NM_001407853.1, NM_001407894.1 and 9 more transcripts); c.3874T>C, p.Ser1292Pro (NM_001407581.1, NM_001407582.1, NM_001407583.1 and 30 more transcripts); c.3871T>C, p.Ser1291Pro (NM_001407587.1, NM_001407590.1, NM_001407591.1 and 22 more transcripts); c.3865T>C, p.Ser1289Pro (NM_001407646.1, NM_001407647.1); c.3751T>C, p.Ser1251Pro (NM_001407648.1, NM_001407664.1, NM_001407665.1 and 19 more transcripts); c.3748T>C, p.Ser1250Pro (NM_001407649.1, NM_001407670.1, NM_001407671.1 and 11 more transcripts); c.3796T>C, p.Ser1266Pro (NM_001407653.1, NM_001407654.1, NM_001407655.1 and 4 more transcripts); c.3793T>C, p.Ser1265Pro (NM_001407659.1, NM_001407660.1, NM_001407661.1 and 1 more transcripts); and 41 more; short protein forms S1292P, S1245P, S1124P, S1165P, S1181P, S1222P, S1225P, S1250P.
Identifiers: ClinVar variation 187559 (VCV000187559.19), dbSNP rs786203823, ClinGen allele CA002497.

ClinVar aggregate classification (germline): Conflicting classifications of pathogenicity. Review status: criteria provided, conflicting classifications (1 of 4 stars). 6 submissions from 6 submitters: Uncertain significance (5); Likely benign (1). Last evaluated 2024-10-10.

Conditions:
Hereditary cancer-predisposing syndrome. Also called: Neoplastic Syndromes, Hereditary; Tumor predisposition; Hereditary Cancer Syndrome; Hereditary neoplastic syndrome. Identifiers: Orphanet 140162, MedGen C0027672, MeSH D009386, MONDO:0015356.
Hereditary breast ovarian cancer syndrome. Also called: Hereditary breast and ovarian cancer; Hereditary breast and/or ovarian cancer syndrome; BRCA1- and BRCA2-Associated Hereditary Breast and Ovarian Cancer; Hereditary breast and ovarian cancer syndrome (HBOC); Hereditary breast and ovarian cancer syndrome; Breast and ovarian cancer. Identifiers: Orphanet 145, MedGen C0677776, MeSH D061325, MONDO:0003582. Disease mechanism: loss of function.

Submissions (6):

Ambry Genetics
Classification: Uncertain significance for Hereditary cancer-predisposing syndrome. Last evaluated: 2024-10-10. Review status: criteria provided, single submitter. Criteria: Ambry Variant Classification Scheme 2023. Collection method: clinical testing. Allele origin: germline.
Comment: The p.S1292P variant (also known as c.3874T>C), located in coding exon 9 of the BRCA1 gene, results from a T to C substitution at nucleotide position 3874. The serine at codon 1292 is replaced by proline, an amino acid with similar properties. This amino acid position is highly conserved in available vertebrate species. In addition, this alteration is predicted to be deleterious by in silico analysis. Based on the available evidence, the clinical significance of this variant remains unclear.

Labcorp Genetics (formerly Invitae), Labcorp
Classification: Uncertain significance for Hereditary breast ovarian cancer syndrome. Last evaluated: 2024-09-25. Review status: criteria provided, single submitter. Criteria: Invitae Variant Classification Sherloc (09022015). Collection method: clinical testing. Allele origin: germline.
Comment: This sequence change replaces serine, which is neutral and polar, with proline, which is neutral and non-polar, at codon 1292 of the BRCA1 protein (p.Ser1292Pro). This variant is not present in population databases (gnomAD no frequency). This variant has not been reported in the literature in individuals affected with BRCA1-related conditions. ClinVar contains an entry for this variant (Variation ID: 187559). Invitae Evidence Modeling of protein sequence and biophysical properties (such as structural, functional, and spatial information, amino acid conservation, physicochemical variation, residue mobility, and thermodynamic stability) indicates that this missense variant is expected to disrupt BRCA1 protein function with a positive predictive value of 80%. In summary, the available evidence is currently insufficient to determine the role of this variant in disease. Therefore, it has been classified as a Variant of Uncertain Significance.

GeneDx
Classification: Uncertain significance. Last evaluated: 2024-03-12. Review status: criteria provided, single submitter. Criteria: GeneDx Variant Classification Process June 2021. Collection method: clinical testing. Allele origin: germline. Affected: yes.
Comment: Not observed at significant frequency in large population cohorts (gnomAD); In silico analysis supports that this missense variant does not alter protein structure/function; Has not been previously published as pathogenic or benign to our knowledge; Also known as 3993T>C; This variant is associated with the following publications: (PMID: 31911673, 15343273, 22737296)

University of Washington Department of Laboratory Medicine, University of Washington
Classification: Likely benign for Hereditary cancer-predisposing syndrome. Last evaluated: 2023-03-23. Review status: criteria provided, single submitter. Criteria: Dines et al. (Genet Med. 2020). Collection method: curation. Allele origin: germline.
Comment: Missense variant in a coldspot region where missense variants are very unlikely to be pathogenic (PMID:31911673).

BRCA1 coldspot (exon 11 using historical exon numbering). Reclassification based on statistical prior probability

Quest Diagnostics Nichols Institute San Juan Capistrano
Classification: Uncertain significance. Last evaluated: 2022-11-04. Review status: criteria provided, single submitter. Criteria: Quest Diagnostics criteria. Collection method: clinical testing. Allele origin: unknown.
Comment: The variant has not been reported in individuals with BRCA1-related conditions in the published literature. It also has not been reported in large, multi-ethnic general populations. Analysis of this variant using bioinformatics tools for the prediction of the effect of amino acid changes on protein structure and function yielded predictions that this variant is damaging. Based on the available information, we are unable to determine the clinical significance of this variant.

Sema4
Classification: Uncertain significance for Hereditary cancer-predisposing syndrome. Last evaluated: 2021-10-26. Review status: criteria provided, single submitter. Criteria: Sema4 Curation Guidelines. Collection method: curation. Allele origin: germline.
Comment: The BRCA1 c.3874T>C (p.S1292P) variant has not been reported in the literature to our knowledge. It was not observed in the large and broad cohorts of the Genome Aggregation Database. The variant has been reported in ClinVar (Variation ID 187559). Functional studies have not been performed, and in silico predictions of the variant's effect on protein function are inconclusive. The evidence is insufficient to meet ACMG/AMP criteria for classifying the variant as benign or pathogenic. Thus, the clinical significance of this variant is currently uncertain.